The following is an entry in ClinVar:

ClinVar aggregate classification (germline): Uncertain significance (1 of 4 stars; one submission).

Conditions:
Peroxisome biogenesis disorder. Identifiers: Orphanet 79189, MedGen C1832200, MONDO:0019234. Disease mechanism: loss of function.

gnomAD v4.1: 2 of 1,559,804 alleles (0.00013%); highest among the groups gnomAD compares: South Asian, 0.0023%; no homozygotes.

Submission:

Labcorp Genetics (formerly Invitae), Labcorp
Classification: Uncertain significance for Peroxisome biogenesis disorder. Last evaluated: 2022-08-16. Review status: criteria provided, single submitter. Criteria: Invitae Variant Classification Sherloc (09022015). Collection method: clinical testing. Allele origin: germline.
Comment: In summary, the available evidence is currently insufficient to determine the role of this variant in disease. Therefore, it has been classified as a Variant of Uncertain Significance. Algorithms developed to predict the effect of missense changes on protein structure and function (SIFT, PolyPhen-2, Align-GVGD) all suggest that this variant is likely to be tolerated. ClinVar contains an entry for this variant (Variation ID: 1407668). This variant has not been reported in the literature in individuals affected with PEX6-related conditions. This variant is not present in population databases (gnomAD no frequency). This sequence change replaces proline, which is neutral and non-polar, with serine, which is neutral and polar, at codon 18 of the PEX6 protein (p.Pro18Ser).

NM_000287.4(PEX6):c.52C>T (p.Pro18Ser)

Gene: PEX6 (peroxisomal biogenesis factor 6; minus strand). Cytogenetic location: 6p21.1.
Variant type: single nucleotide variant.
Coding change: c.52C>T on transcript NM_000287.4 (MANE Select); coding-DNA position 52, C replaced by T.
Protein change: p.Pro18Ser; replaces proline 18 with serine.
Molecular consequence: missense variant. On other transcripts: non-coding transcript variant (1).
Genome position (GRCh38, 1-based): chr6:42,979,099, G>A on the plus strand (C>T on the coding strand, the complement: PEX6 is on the minus strand). VCF-style: chr6-42979099-G-A. GRCh37 (hg19) VCF-style: chr6-42946837-G-A.
Other names: c.52C>T, p.Pro18Ser (NM_001316313.2); short protein forms P18S.
Identifiers: ClinVar variation 1407668 (VCV001407668.5), dbSNP rs1770447100, ClinGen allele CA364169579.